The following is an entry in ClinVar:

ClinVar aggregate classification (germline): Uncertain significance (1 of 4 stars; one submission).

Allele frequency attached by ClinVar (database versions not stated): TOPMed below 0.00001.

Submission:

Labcorp Genetics (formerly Invitae), Labcorp
Classification: Uncertain significance. Last evaluated: 2023-02-18. Review status: criteria provided, single submitter. Criteria: Invitae Variant Classification Sherloc (09022015). Collection method: clinical testing. Allele origin: germline.
Comment: In summary, the available evidence is currently insufficient to determine the role of this variant in disease. Therefore, it has been classified as a Variant of Uncertain Significance. An algorithm developed to predict the effect of missense changes on protein structure and function (PolyPhen-2) suggests that this variant is likely to be tolerated. This variant has not been reported in the literature in individuals affected with TUBGCP6-related conditions. This variant is present in population databases (no rsID available, gnomAD 0.005%). This sequence change replaces aspartic acid, which is acidic and polar, with histidine, which is basic and polar, at codon 892 of the TUBGCP6 protein (p.Asp892His).

NM_020461.4(TUBGCP6):c.2674G>C (p.Asp892His)

Gene: TUBGCP6 (tubulin gamma complex component 6; minus strand). Cytogenetic location: 22q13.33.
Variant type: single nucleotide variant.
Coding change: c.2674G>C on transcript NM_020461.4 (MANE Select); coding-DNA position 2674, G replaced by C.
Protein change: p.Asp892His; replaces aspartic acid 892 with histidine.
Molecular consequence: missense variant.
Genome position (GRCh38, 1-based): chr22:50,221,685, C>G on the plus strand (G>C on the coding strand, the complement: TUBGCP6 is on the minus strand). VCF-style: chr22-50221685-C-G. GRCh37 (hg19) VCF-style: chr22-50660114-C-G.
Other names: short protein forms D892H.
Identifiers: ClinVar variation 1933509 (VCV001933509.5), dbSNP rs1477206714, ClinGen allele CA412096704.